The following is an entry in ClinVar:

ClinVar aggregate classification (germline): Likely benign (0 of 4 stars; one submission).

Conditions:
HSPG2-related disorder. Also called: HSPG2-related disorders; HSPG2-related condition.

gnomAD v4.1: 24 of 1,613,784 alleles (0.0015%); highest among the groups gnomAD compares: East Asian, 0.018%; no homozygotes.

Submission:

PreventionGenetics, part of Exact Sciences
Classification: Likely benign for HSPG2-related condition. Last evaluated: 2019-07-23. Review status: no assertion criteria provided. Collection method: clinical testing. Allele origin: germline.
Comment: This variant is classified as likely benign based on ACMG/AMP sequence variant interpretation guidelines (Richards et al. 2015 PMID: 25741868, with internal and published modifications).

NM_005529.7(HSPG2):c.7458G>A (p.Ser2486=)

Gene: HSPG2 (heparan sulfate proteoglycan 2; minus strand). Cytogenetic location: 1p36.12.
Variant type: single nucleotide variant.
Coding change: c.7458G>A on transcript NM_005529.7 (MANE Select); coding-DNA position 7458, G replaced by A.
Protein change: p.Ser2486=; no amino-acid change (serine 2486 retained).
Molecular consequence: synonymous variant.
Genome position (GRCh38, 1-based): chr1:21,849,020, C>T on the plus strand (G>A on the coding strand, the complement: HSPG2 is on the minus strand). VCF-style: chr1-21849020-C-T. GRCh37 (hg19) VCF-style: chr1-22175513-C-T.
Other names: c.7461G>A, p.Ser2487= (NM_001291860.2).
Identifiers: ClinVar variation 3350700 (VCV003350700.1).